The following is an entry in ClinVar:

NM_031892.3(SH3KBP1):c.688T>G (p.Ser230Ala)

Gene: SH3KBP1 (SH3 domain containing kinase binding protein 1; minus strand). Cytogenetic location: Xp22.12.
Variant type: single nucleotide variant.
Coding change: c.688T>G on transcript NM_031892.3 (MANE Select); coding-DNA position 688, T replaced by G.
Protein change: p.Ser230Ala; replaces serine 230 with alanine.
Molecular consequence: missense variant.
Genome position (GRCh38, 1-based): chrX:19,683,861, A>C on the plus strand (T>G on the coding strand, the complement: SH3KBP1 is on the minus strand). VCF-style: chrX-19683861-A-C. GRCh37 (hg19) VCF-style: chrX-19701979-A-C.
Other names: c.577T>G, p.Ser193Ala (NM_001024666.3); c.688T>G, p.Ser230Ala (NM_001353890.2); c.763T>G, p.Ser255Ala (NM_001353891.2, NM_001353892.2); c.586T>G, p.Ser196Ala (NM_001353893.2, NM_001353894.2); c.643T>G, p.Ser215Ala (NM_001353895.2); c.820T>G, p.Ser274Ala (NM_001410756.1, NM_001410757.1); c.511T>G, p.Ser171Ala (NM_001410758.1); short protein forms S171A, S193A, S215A, S196A, S230A, S255A, S274A.
Identifiers: ClinVar variation 4770163 (VCV004770163.1).
Genomic context (GRCh38, chrX:19,683,861, plus strand): 5'-AAATAGAAACTGTCGAACATACCTTTTCTACCGGCAGAAAGTCATTTTCTACTTCAATTG[A>C]CCTTGGTCTTAGTTTGATTGGCTTGTCTTTGAAAATGTCTCCAAAGCCCACTCCCTTAAC-3'
Protein context (NP_114098.1, residues 220-240): KDKPIKLRPR[Ser230Ala]IEVENDFLPV

ClinVar aggregate classification (germline): Uncertain significance (1 of 4 stars; one submission).

gnomAD v4.1: 1 of 1,211,041 alleles (0.000083%); highest among the groups gnomAD compares: Admixed American, 0.0022%; no homozygotes.

Submission:

Labcorp Genetics (formerly Invitae), Labcorp
Classification: Uncertain significance. Last evaluated: 2025-11-08. Review status: criteria provided, single submitter. Criteria: Invitae Variant Classification Sherloc (09022015). Collection method: clinical testing. Allele origin: germline.
Comment: This sequence change replaces serine, which is neutral and polar, with alanine, which is neutral and non-polar, at codon 230 of the SH3KBP1 protein (p.Ser230Ala). This variant is present in population databases (no rsID available, gnomAD 0.004%). This variant has not been reported in the literature in individuals affected with SH3KBP1-related conditions. Invitae Evidence Modeling of protein sequence and biophysical properties (such as structural, functional, and spatial information, amino acid conservation, physicochemical variation, residue mobility, and thermodynamic stability) indicates that this missense variant is not expected to disrupt SH3KBP1 protein function with a negative predictive value of 80%. In summary, the available evidence is currently insufficient to determine the role of this variant in disease. Therefore, it has been classified as a Variant of Uncertain Significance.